The following is an entry in ClinVar:

ClinVar aggregate classification (germline): Uncertain significance (1 of 4 stars; one submission).

Allele frequency attached by ClinVar (database versions not stated): TOPMed below 0.00001; gnomAD 0.00001; ExAC 0.00002; gnomAD exomes 0.00002.
gnomAD v4.1: 27 of 1,612,706 alleles (0.0017%); highest among the groups gnomAD compares: South Asian, 0.026%; no homozygotes.

Submission:

Ambry Genetics
Classification: Uncertain significance. Last evaluated: 2024-06-03. Review status: criteria provided, single submitter. Criteria: Ambry Variant Classification Scheme 2023. Collection method: clinical testing. Allele origin: germline.
Comment: The p.S226N variant (also known as c.677G>A), located in coding exon 1 of the EGLN2 gene, results from a G to A substitution at nucleotide position 677. The serine at codon 226 is replaced by asparagine, an amino acid with highly similar properties. This amino acid position is conserved. In addition, this alteration is predicted to be tolerated by in silico analysis. Since supporting evidence is limited at this time, the clinical significance of this alteration remains unclear.

NM_080732.4(EGLN2):c.677G>A (p.Ser226Asn)

Genes: EGLN2 (egl-9 family hypoxia inducible factor 2; plus strand), RAB4B-EGLN2 (RAB4B-EGLN2 readthrough (NMD candidate); plus strand). Cytogenetic location: 19q13.2.
Variant type: single nucleotide variant.
Coding change: c.677G>A on transcript NM_080732.4 (MANE Select); coding-DNA position 677, G replaced by A.
Protein change: p.Ser226Asn; replaces serine 226 with asparagine.
Molecular consequence: missense variant. On other transcripts: non-coding transcript variant (1).
Genome position (GRCh38, 1-based): chr19:40,801,249, G>A. VCF-style: chr19-40801249-G-A. GRCh37 (hg19) VCF-style: chr19-41307154-G-A.
Other names: c.677G>A, p.Ser226Asn (NM_053046.4); short protein forms S226N.
Identifiers: ClinVar variation 1755387 (VCV001755387.3), dbSNP rs776397022, ClinGen allele CA9452276.